The following is an entry in ClinVar:

NM_004329.3(BMPR1A):c.184_187dup (p.Cys63fs)

Gene: BMPR1A (bone morphogenetic protein receptor type 1A; plus strand). Cytogenetic location: 10q23.2.
Variant type: Duplication.
Coding change: c.184_187dup on transcript NM_004329.3 (MANE Select); coding-DNA positions 184 to 187, 4 bases duplicated (TATT; older notation c.184_187dupTATT).
Protein change: p.Cys63fs; shifts the reading frame from cysteine 63.
Molecular consequence: frameshift variant.
Genome position (GRCh38, 1-based): chr10:86,890,178-86,890,181, TATT duplicated. VCF-style (leftmost placement, unchanged base first): chr10-86890177-C-CTATT. GRCh37 (hg19) VCF-style: chr10-88649934-C-CTATT.
Other names: short protein forms C63fs.
Identifiers: ClinVar variation 852393 (VCV000852393.8), dbSNP rs1589763427, ClinGen allele CA916081598.
Genomic context (GRCh38, chr10:86,890,177, plus strand): 5'-GAAAAAGTCAGAAAATGGAGTAACCTTAGCACCAGAGGATACCTTGCCTTTTTTAAAGTG[C>CTATT]TATTGCTCAGGGCACTGTCCAGATGATGCTATTAATAACACATGCATGTAAGTATTTTAT-3'

ClinVar aggregate classification (germline): Pathogenic (1 of 4 stars; one submission).

Conditions:
Juvenile polyposis syndrome (JPS). Identifiers: Orphanet 2929, MedGen C0345893, MONDO:0017380, OMIM 174900.

Allele frequency attached by ClinVar (database versions not stated): gnomAD exomes below 0.00001.

Submission:

Labcorp Genetics (formerly Invitae), Labcorp
Classification: Pathogenic for Juvenile polyposis syndrome. Last evaluated: 2019-07-26. Review status: criteria provided, single submitter. Criteria: Invitae Variant Classification Sherloc (09022015). Collection method: clinical testing. Allele origin: germline.
Comment: For these reasons, this variant has been classified as Pathogenic. Loss-of-function variants in BMPR1A are known to be pathogenic (PMID: 11536076, 12417513). This sequence change creates a premature translational stop signal (p.Cys63Leufs*9) in the BMPR1A gene. It is expected to result in an absent or disrupted protein product. This variant is not present in population databases (ExAC no frequency). This variant has not been reported in the literature in individuals with BMPR1A-related conditions.

Literature cited by the submitters: PubMed 11536076; PubMed 12417513.